The following is an entry in ClinVar:

NM_000138.5(FBN1):c.8203del (p.Glu2735fs)

Gene: FBN1 (fibrillin 1; minus strand). Cytogenetic location: 15q21.1.
Variant type: Deletion.
Coding change: c.8203del on transcript NM_000138.5 (MANE Select); coding-DNA position 8203, one base deleted (G; older notation c.8203delG).
Protein change: p.Glu2735fs; shifts the reading frame from glutamic acid 2735.
Molecular consequence: frameshift variant.
Genome position (GRCh38, 1-based): chr15:48,412,592, C deleted on the plus strand (G on the coding strand, the reverse complement: FBN1 is on the minus strand). VCF-style (leftmost placement, unchanged base first): chr15-48412591-TC-T. GRCh37 (hg19) VCF-style: chr15-48704788-TC-T.
Other names: c.8203delG (NM_000138.4); short protein forms E2735fs.
Identifiers: ClinVar variation 36125 (VCV000036125.3), dbSNP rs193922241, ClinGen allele CA017613.

ClinVar aggregate classification (germline): Likely pathogenic (1 of 4 stars; one submission).

Conditions:
Marfan syndrome (MFS). Also called: FBN1-Related Marfan Syndrome; Marfan syndrome type 1; Marfan's syndrome; Marfan syndrome, classic; MARFAN SYNDROME, TYPE I. Identifiers: Orphanet 284963, Orphanet 558, MedGen C0024796, MONDO:0007947, OMIM 154700.

Submission:

Women's Health and Genetics/Laboratory Corporation of America, LabCorp
Classification: Likely pathogenic for Marfan Syndrome. Last evaluated: 2011-08-18. Review status: criteria provided, single submitter. Criteria: LabCorp Variant Classification Summary - May 2015. Collection method: curation, clinical testing. Allele origin: germline. Inheritance: autosomal unknown. Affected: yes.
ClinVar note: Converted during submission from likely pathogenic to Likely pathogenic.